The following is an entry in ClinVar:

ClinVar aggregate classification (germline): Uncertain significance (1 of 4 stars; one submission).

Conditions:
Migraine, familial hemiplegic, 1. Also called: MIGRAINE, FAMILIAL HEMIPLEGIC 1, WITH PROGRESSIVE CEREBELLAR ATAXIA. Identifiers: Orphanet 569, MedGen C1832884, MONDO:0020756, OMIM 141500, MONDO:0007714.

Submission:

Institute of Human Genetics, University of Leipzig Medical Center
Classification: Uncertain significance for Migraine, familial hemiplegic, 1. Last evaluated: 2024-09-19. Review status: criteria provided, single submitter. Criteria: ACMG Guidelines, 2015. Collection method: clinical testing. Allele origin: paternal. Affected: yes.
Comment: Criteria applied: PM2,PP3

NM_001127222.2(CACNA1A):c.539+2387G>T

Gene: CACNA1A (calcium voltage-gated channel subunit alpha1 A; minus strand). Cytogenetic location: 19p13.13.
Variant type: single nucleotide variant.
Coding change: c.539+2387G>T on transcript NM_001127222.2 (MANE Select); 2387 bases into the intron after coding-DNA position 539, G replaced by T.
Molecular consequence: intron variant.
Genome position (GRCh38, 1-based): chr19:13,450,489, C>A on the plus strand (G>T on the coding strand, the complement: CACNA1A is on the minus strand). VCF-style: chr19-13450489-C-A. GRCh37 (hg19) VCF-style: chr19-13561303-C-A.
Other names: c.539+2387G>T (NM_001127221.2, NM_001174080.2, NM_000068.4 and 1 more transcripts).
Identifiers: ClinVar variation 3359148 (VCV003359148.2).